The following is an entry in ClinVar:

NM_145290.4(ADGRA3):c.3662G>A (p.Arg1221Gln)

Gene: ADGRA3 (adhesion G protein-coupled receptor A3; minus strand). Cytogenetic location: 4p15.2.
Variant type: single nucleotide variant.
Coding change: c.3662G>A on transcript NM_145290.4 (MANE Select); coding-DNA position 3662, G replaced by A.
Protein change: p.Arg1221Gln; replaces arginine 1221 with glutamine.
Molecular consequence: missense variant.
Genome position (GRCh38, 1-based): chr4:22,388,009, C>T on the plus strand (G>A on the coding strand, the complement: ADGRA3 is on the minus strand). VCF-style: chr4-22388009-C-T. GRCh37 (hg19) VCF-style: chr4-22389632-C-T.
Other names: short protein forms R1221Q.
Identifiers: ClinVar variation 769629 (VCV000769629.14), dbSNP rs140656046, ClinGen allele CA2873322.

ClinVar aggregate classification (germline): Benign. Review status: criteria provided, multiple submitters, no conflicts (2 of 4 stars). 3 submissions from 3 submitters: Benign (2). 1 of the submissions does not count toward it. Last evaluated 2026-01-26.

Conditions:
ADGRA3-related disorder. Also called: ADGRA3-related condition.
Retinal dystrophy. Also called: Inherited retinal dystrophy. Identifiers: Orphanet 71862, MedGen C0854723, MeSH D058499, MONDO:0019118, HP:0000556.

Allele frequency attached by ClinVar (database versions not stated): gnomAD 0.00106 and 0.00107; ESP Exome Variant Server 0.00054; 1000 Genomes Project 0.00080; ExAC 0.00270; gnomAD exomes 0.00092 and 0.00342; TOPMed 0.00175; 1000 Genomes Project 30x 0.00078.
gnomAD v4.1: 1,483 of 1,614,090 alleles (0.092%); highest among the groups gnomAD compares: Admixed American, 1.6%; 11 homozygotes.

Submissions (3):

Labcorp Genetics (formerly Invitae), Labcorp
Classification: Benign. Last evaluated: 2026-01-26. Review status: criteria provided, single submitter. Criteria: Invitae Variant Classification Sherloc (09022015). Collection method: clinical testing. Allele origin: germline.

Dept Of Ophthalmology, Nagoya University
Classification: Benign for Retinal dystrophy. Last evaluated: 2023-10-01. Review status: criteria provided, single submitter. Criteria: Submitter's publication. Collection method: research. Allele origin: germline. Affected: yes.

PreventionGenetics, part of Exact Sciences
Classification: Benign for ADGRA3-related condition. Last evaluated: 2019-09-11. Review status: no assertion criteria provided. Collection method: clinical testing. Allele origin: germline. Not counted in ClinVar's aggregate classification.
Comment: This variant is classified as benign based on ACMG/AMP sequence variant interpretation guidelines (Richards et al. 2015 PMID: 25741868, with internal and published modifications).